The following is an entry in ClinVar:

ClinVar aggregate classification (germline): Pathogenic (1 of 4 stars; one submission).

Conditions:
Autosomal dominant hypocalcemia 1 (HYPOC1). Also called: HYPOCALCEMIA, FAMILIAL. Identifiers: MedGen C3715128, MONDO:0011013, OMIM 601198.
Familial hypocalciuric hypercalcemia (FHH). Also called: Familial benign hypercalcemia. Identifiers: Orphanet 405, MedGen C1809471, MONDO:0018458.

Submission:

Labcorp Genetics (formerly Invitae), Labcorp
Classification: Pathogenic for Familial hypocalciuric hypercalcemia; Autosomal dominant hypocalcemia 1. Last evaluated: 2023-09-26. Review status: criteria provided, single submitter. Criteria: Invitae Variant Classification Sherloc (09022015). Collection method: clinical testing. Allele origin: germline.
Comment: This sequence change creates a premature translational stop signal (p.Trp15Profs*28) in the CASR gene. It is expected to result in an absent or disrupted protein product. Loss-of-function variants in CASR are known to be pathogenic (PMID: 11807402, 14985373, 22422767). For these reasons, this variant has been classified as Pathogenic. This variant has not been reported in the literature in individuals affected with CASR-related conditions. This variant is not present in population databases (gnomAD no frequency).

Literature cited by the submitters: PubMed 11807402; PubMed 14985373; PubMed 22422767.

NM_000388.4(CASR):c.42_48del (p.Trp15fs)

Gene: CASR (calcium sensing receptor; plus strand). Cytogenetic location: 3q21.1.
Variant type: Deletion.
Coding change: c.42_48del on transcript NM_000388.4 (MANE Select); coding-DNA positions 42 to 48, 7 bases deleted (CTGGCAC; older notation c.42_48delCTGGCAC).
Protein change: p.Trp15fs; shifts the reading frame from tryptophan 15.
Molecular consequence: frameshift variant.
Genome position (GRCh38, 1-based): chr3:122,254,231-122,254,237, CTGGCAC deleted; deleting any 7 consecutive bases within chr3:122,254,228-122,254,237 gives the same sequence; the c. name uses the placement nearest the transcript's 3' end. VCF-style (leftmost placement, unchanged base first): chr3-122254227-TCACCTGG-T. GRCh37 (hg19) VCF-style: chr3-121973074-TCACCTGG-T.
Other names: c.42_48del, p.Trp15fs (NM_001178065.2); short protein forms W15fs.
Identifiers: ClinVar variation 2952270 (VCV002952270.3), dbSNP rs2473205085, ClinGen allele CA2740094554.
Genomic context (GRCh38, chr3:122,254,227, plus strand): 5'-TGCCCTGGAGAGACGGCAGAACCATGGCATTTTATAGCTGCTGCTGGGTCCTCTTGGCAC[TCACCTGG>T]CACACCTCTGCCTACGGGCCAGACCAGCGAGCCCAAAAGAAGGGGGACATTATCCTTGGG-3'